The following is an entry in ClinVar:

ClinVar aggregate classification (germline): Uncertain significance (1 of 4 stars; one submission).

Submission:

Labcorp Genetics (formerly Invitae), Labcorp
Classification: Uncertain significance. Last evaluated: 2024-03-21. Review status: criteria provided, single submitter. Criteria: Invitae Variant Classification Sherloc (09022015). Collection method: clinical testing. Allele origin: germline.
Comment: This sequence change replaces phenylalanine, which is neutral and non-polar, with cysteine, which is neutral and slightly polar, at codon 164 of the LRRC8A protein (p.Phe164Cys). This variant is not present in population databases (gnomAD no frequency). This variant has not been reported in the literature in individuals affected with LRRC8A-related conditions. An algorithm developed to predict the effect of missense changes on protein structure and function (PolyPhen-2) suggests that this variant is likely to be disruptive. In summary, the available evidence is currently insufficient to determine the role of this variant in disease. Therefore, it has been classified as a Variant of Uncertain Significance.

NM_019594.4(LRRC8A):c.491T>G (p.Phe164Cys)

Gene: LRRC8A (leucine rich repeat containing 8 VRAC subunit A; plus strand). Cytogenetic location: 9q34.11.
Variant type: single nucleotide variant.
Coding change: c.491T>G on transcript NM_019594.4 (MANE Select); coding-DNA position 491, T replaced by G.
Protein change: p.Phe164Cys; replaces phenylalanine 164 with cysteine.
Molecular consequence: missense variant.
Genome position (GRCh38, 1-based): chr9:128,907,655, T>G. VCF-style: chr9-128907655-T-G. GRCh37 (hg19) VCF-style: chr9-131669934-T-G.
Other names: c.491T>G, p.Phe164Cys (NM_001127244.2, NM_001127245.2); short protein forms F164C.
Identifiers: ClinVar variation 3633216 (VCV003633216.2).